The following is an entry in ClinVar:

NM_032638.5(GATA2):c.796C>T (p.His266Tyr)

Gene: GATA2 (GATA binding protein 2; minus strand). Cytogenetic location: 3q21.3.
Variant type: single nucleotide variant.
Coding change: c.796C>T on transcript NM_032638.5 (MANE Select); coding-DNA position 796, C replaced by T.
Protein change: p.His266Tyr; replaces histidine 266 with tyrosine.
Molecular consequence: missense variant.
Genome position (GRCh38, 1-based): chr3:128,485,802, G>A on the plus strand (C>T on the coding strand, the complement: GATA2 is on the minus strand). VCF-style: chr3-128485802-G-A. GRCh37 (hg19) VCF-style: chr3-128204645-G-A.
Other names: c.796C>T, p.His266Tyr (NM_001145661.2, NM_001145662.1); short protein forms H266Y.
Identifiers: ClinVar variation 1721590 (VCV001721590.5), dbSNP rs982084108, ClinGen allele CA83371764.

ClinVar aggregate classification (germline): Uncertain significance (1 of 4 stars; one submission).

Conditions:
Deafness-lymphedema-leukemia syndrome. Also called: Lymphedema, primary, with myelodysplasia; Emberger syndrome. Identifiers: Orphanet 3226, MedGen C3279664, MONDO:0013540, OMIM 614038.
Monocytopenia with susceptibility to infections. Also called: MONOCYTOPENIA AND MYCOBACTERIAL INFECTION SYNDROME; MONOCYTOPENIA WITH SUSCEPTIBILITY TO MYCOBACTERIAL, FUNGAL, AND PAPILLOMAVIRUS INFECTIONS AND MYELODYSPLASIA; COMBINED IMMUNODEFICIENCY WITH SUSCEPTIBILITY TO MYCOBACTERIAL, VIRAL, AND FUNGAL INFECTIONS; Dendritic cell, monocyte, B lymphocyte, and natural killer lymphocyte deficiency; GATA2 DEFICIENCY; IMMUNODEFICIENCY 21. Identifiers: Orphanet 228423, MedGen C3280030, MONDO:0013607, OMIM 614172.

Submission:

Labcorp Genetics (formerly Invitae), Labcorp
Classification: Uncertain significance for Monocytopenia with susceptibility to infections; Deafness-lymphedema-leukemia syndrome. Last evaluated: 2022-10-14. Review status: criteria provided, single submitter. Criteria: Invitae Variant Classification Sherloc (09022015). Collection method: clinical testing. Allele origin: germline.
Comment: This variant is not present in population databases (gnomAD no frequency). This sequence change replaces histidine, which is basic and polar, with tyrosine, which is neutral and polar, at codon 266 of the GATA2 protein (p.His266Tyr). Advanced modeling of protein sequence and biophysical properties (such as structural, functional, and spatial information, amino acid conservation, physicochemical variation, residue mobility, and thermodynamic stability) performed at Invitae indicates that this missense variant is not expected to disrupt GATA2 protein function. This variant has not been reported in the literature in individuals affected with GATA2-related conditions. In summary, the available evidence is currently insufficient to determine the role of this variant in disease. Therefore, it has been classified as a Variant of Uncertain Significance.